The following is an entry in ClinVar:

NM_018245.3(OGDHL):c.980C>T (p.Ala327Val)

Gene: OGDHL (oxoglutarate dehydrogenase L; minus strand). Cytogenetic location: 10q11.23.
Variant type: single nucleotide variant.
Coding change: c.980C>T on transcript NM_018245.3 (MANE Select); coding-DNA position 980, C replaced by T.
Protein change: p.Ala327Val; replaces alanine 327 with valine.
Molecular consequence: missense variant. On other transcripts: non-coding transcript variant (3), intron variant (1).
Genome position (GRCh38, 1-based): chr10:49,749,733, G>A on the plus strand (C>T on the coding strand, the complement: OGDHL is on the minus strand). VCF-style: chr10-49749733-G-A. GRCh37 (hg19) VCF-style: chr10-50957779-G-A.
Other names: c.809C>T, p.Ala270Val (NM_001143996.2, NM_001347820.1); c.353C>T, p.Ala118Val (NM_001143997.2, NM_001347821.2, NM_001347822.1 and 1 more transcripts); c.980C>T, p.Ala327Val (NM_001347819.1, NM_001347823.1, NM_001347824.2); c.-31+1106C>T (NM_001347826.1); short protein forms A118V, A270V, A327V.
Identifiers: ClinVar variation 3602235 (VCV003602235.2).

ClinVar aggregate classification (germline): Uncertain significance (1 of 4 stars; one submission).

gnomAD v4.1: 16 of 1,589,388 alleles (0.001%); highest among the groups gnomAD compares: Middle Eastern, 0.017%; no homozygotes.

Submission:

GeneDx
Classification: Uncertain significance. Last evaluated: 2025-05-28. Review status: criteria provided, single submitter. Criteria: GeneDx Variant Classification Process June 2021. Collection method: clinical testing. Allele origin: germline. Affected: yes.
Comment: Functional studies suggest that A327V results in a hypomorphic allele (PMID: 34800363); In silico analysis supports that this missense variant has a deleterious effect on protein structure/function; This variant is associated with the following publications: (PMID: 34800363)